The following is an entry in ClinVar:

NM_000719.7(CACNA1C):c.17C>T (p.Thr6Met)

Gene: CACNA1C (calcium voltage-gated channel subunit alpha1 C; plus strand). Cytogenetic location: 12p13.33.
Variant type: single nucleotide variant.
Coding change: c.17C>T on transcript NM_000719.7 (MANE Select); coding-DNA position 17, C replaced by T.
Protein change: p.Thr6Met; replaces threonine 6 with methionine.
Molecular consequence: missense variant.
Genome position (GRCh38, 1-based): chr12:2,053,579, C>T. VCF-style: chr12-2053579-C-T. GRCh37 (hg19) VCF-style: chr12-2162745-C-T.
Other names: c.17C>T, p.Thr6Met (NM_001129827.2, NM_001129829.2, NM_001129830.3 and 19 more transcripts); short protein forms T6M.
Identifiers: ClinVar variation 1780365 (VCV001780365.3), dbSNP rs2543374912, ClinGen allele CA383650641.

ClinVar aggregate classification (germline): Uncertain significance. Review status: criteria provided, multiple submitters, no conflicts (2 of 4 stars). 2 submissions from 2 submitters: Uncertain significance (2). Last evaluated 2025-09-23.

Conditions:
Long QT syndrome (LQTS). Identifiers: MedGen C0023976, MeSH D008133, MONDO:0002442. Disease mechanism: loss of function. Inheritance: Various modes of inheritance.
Cardiovascular phenotype. Identifiers: MedGen CN230736.

Allele frequency attached by ClinVar (database versions not stated): gnomAD exomes below 0.00001.
gnomAD v4.1: 1 of 1,600,540 alleles (0.000062%); no homozygotes.

Submissions (2):

Labcorp Genetics (formerly Invitae), Labcorp
Classification: Uncertain significance for Long QT syndrome. Last evaluated: 2025-09-23. Review status: criteria provided, single submitter. Criteria: Invitae Variant Classification Sherloc (09022015). Collection method: clinical testing. Allele origin: germline.
Comment: This sequence change replaces threonine, which is neutral and polar, with methionine, which is neutral and non-polar, at codon 6 of the CACNA1C protein (p.Thr6Met). This variant is not present in population databases (gnomAD no frequency). This variant has not been reported in the literature in individuals affected with CACNA1C-related conditions. ClinVar contains an entry for this variant (Variation ID: 1780365). Invitae Evidence Modeling of protein sequence and biophysical properties (such as structural, functional, and spatial information, amino acid conservation, physicochemical variation, residue mobility, and thermodynamic stability) indicates that this missense variant is not expected to disrupt CACNA1C protein function with a negative predictive value of 95%. In summary, the available evidence is currently insufficient to determine the role of this variant in disease. Therefore, it has been classified as a Variant of Uncertain Significance.

Ambry Genetics
Classification: Uncertain significance for Cardiovascular phenotype. Last evaluated: 2021-04-08. Review status: criteria provided, single submitter. Criteria: Ambry Variant Classification Scheme 2023. Collection method: clinical testing. Allele origin: germline.
Comment: The p.T6M variant (also known as c.17C>T), located in coding exon 1 of the CACNA1C gene, results from a C to T substitution at nucleotide position 17. The threonine at codon 6 is replaced by methionine, an amino acid with similar properties. This amino acid position is well conserved in available vertebrate species. In addition, the in silico prediction for this alteration is inconclusive. Since supporting evidence is limited at this time, the clinical significance of this alteration remains unclear.